The following is an entry in ClinVar:

ClinVar aggregate classification (germline): Likely benign (1 of 4 stars; one submission).

gnomAD v4.1: 17 of 981,186 alleles (0.0017%); highest among the groups gnomAD compares: Admixed American, 0.0092%; no homozygotes.

Submission:

CeGaT Center for Human Genetics Tuebingen
Classification: Likely benign. Last evaluated: 2025-02-01. Review status: criteria provided, single submitter. Criteria: CeGaT Center For Human Genetics Tuebingen Variant Classification Criteria Version 2. Collection method: clinical testing. Allele origin: germline. Affected: yes. Observed: 1 variant allele.
Comment: BCORL1: BP4, BS2

NM_001379451.1(BCORL1):c.4360G>A (p.Val1454Met)

Gene: BCORL1 (BCL6 corepressor like 1; plus strand). Cytogenetic location: Xq26.1.
Variant type: single nucleotide variant.
Coding change: c.4360G>A on transcript NM_001379451.1 (MANE Select); coding-DNA position 4360, G replaced by A.
Protein change: p.Val1454Met; replaces valine 1454 with methionine.
Molecular consequence: missense variant. On other transcripts: intron variant (1).
Genome position (GRCh38, 1-based): chrX:130,034,509, G>A. VCF-style: chrX-130034509-G-A. GRCh37 (hg19) VCF-style: chrX-129168484-G-A.
Other names: c.4360G>A, p.Val1454Met (NM_001184772.3, NM_001379450.1); c.4306-2858G>A (NM_021946.5); short protein forms V1454M.
Identifiers: ClinVar variation 3771125 (VCV003771125.13).